The following is an entry in ClinVar:

NM_007194.4(CHEK2):c.1116C>A (p.Ser372=)

Gene: CHEK2 (checkpoint kinase 2; minus strand). Cytogenetic location: 22q12.1.
Variant type: single nucleotide variant.
Coding change: c.1116C>A on transcript NM_007194.4 (MANE Select); coding-DNA position 1116, C replaced by A.
Protein change: p.Ser372=; no amino-acid change (serine 372 retained).
Molecular consequence: synonymous variant.
Genome position (GRCh38, 1-based): chr22:28,695,853, G>T on the plus strand (C>A on the coding strand, the complement: CHEK2 is on the minus strand). VCF-style: chr22-28695853-G-T. GRCh37 (hg19) VCF-style: chr22-29091841-G-T.
Other names: c.1245C>A, p.Ser415= (NM_001005735.3); c.453C>A, p.Ser151= (NM_001257387.3); c.915C>A, p.Ser305= (NM_001349956.3); c.1029C>A, p.Ser343= (NM_145862.3).
Identifiers: ClinVar variation 382704 (VCV000382704.17), dbSNP rs79357544, ClinGen allele CA16608634.

ClinVar aggregate classification (germline): Benign/Likely benign. Review status: criteria provided, multiple submitters, no conflicts (2 of 4 stars). 4 submissions from 4 submitters: Benign (1); Likely benign (3). Last evaluated 2024-11-05.

Conditions:
Hereditary cancer-predisposing syndrome. Also called: Hereditary Cancer Syndrome; Hereditary neoplastic syndrome; Neoplastic Syndromes, Hereditary; Tumor predisposition. Identifiers: Orphanet 140162, MedGen C0027672, MeSH D009386, MONDO:0015356.
Familial cancer of breast. Also called: hereditary breast carcinoma; Hereditary breast cancer; BREAST CANCER, FAMILIAL. Identifiers: Orphanet 227535, MedGen C0346153, MONDO:0016419, OMIM 114480. Disease mechanism: loss of function.

Submissions (4):

Labcorp Genetics (formerly Invitae), Labcorp
Classification: Likely benign for Familial cancer of breast. Last evaluated: 2024-11-05. Review status: criteria provided, single submitter. Criteria: Invitae Variant Classification Sherloc (09022015). Collection method: clinical testing. Allele origin: germline.

Myriad Genetics, Inc.
Classification: Benign for Familial cancer of breast. Last evaluated: 2024-10-04. Review status: criteria provided, single submitter. Criteria: Myriad Autosomal Dominant, Autosomal Recessive and X-Linked Classification Criteria (2023). Collection method: clinical testing. Allele origin: unknown.
Comment: This variant is considered benign. This variant is a silent/synonymous amino acid change and it is not expected to impact splicing.

Ambry Genetics
Classification: Likely benign for Hereditary cancer-predisposing syndrome. Last evaluated: 2019-04-22. Review status: criteria provided, single submitter. Criteria: Ambry Variant Classification Scheme 2023. Collection method: clinical testing. Allele origin: germline.

GeneDx
Classification: Likely benign. Last evaluated: 2015-12-31. Review status: criteria provided, single submitter. Criteria: GeneDx Variant Classification (06012015). Collection method: clinical testing. Allele origin: germline. Affected: yes.
Comment: This variant is considered likely benign or benign based on one or more of the following criteria: it is a conservative change, it occurs at a poorly conserved position in the protein, it is predicted to be benign by multiple in silico algorithms, and/or has population frequency not consistent with disease.